The following is an entry in ClinVar:

ClinVar aggregate classification (germline): Uncertain significance (1 of 4 stars; one submission).

Conditions:
Inborn genetic diseases. Identifiers: MedGen C0950123, MeSH D030342.

Submission:

Ambry Genetics
Classification: Uncertain significance for Inborn genetic diseases. Last evaluated: 2026-08-16. Review status: criteria provided, single submitter. Criteria: Ambry Variant Classification Scheme 2023. Collection method: clinical testing. Allele origin: germline.
Comment: The p.N406S variant (also known as c.1217A>G), located in coding exon 7 of the FANCM gene, results from an A to G substitution at nucleotide position 1217. The asparagine at codon 406 is replaced by serine, an amino acid with highly similar properties. This amino acid position is conserved. In addition, this alteration is predicted to be tolerated by in silico analysis. Based on the available evidence, the clinical significance of this variant remains unclear.

NM_020937.4(FANCM):c.1217A>G (p.Asn406Ser)

Gene: FANCM (FA complementation group M; plus strand). Cytogenetic location: 14q21.2.
Variant type: single nucleotide variant.
Coding change: c.1217A>G on transcript NM_020937.4 (MANE Select); coding-DNA position 1217, A replaced by G.
Protein change: p.Asn406Ser; replaces asparagine 406 with serine.
Molecular consequence: missense variant.
Genome position (GRCh38, 1-based): chr14:45,154,730, A>G. VCF-style: chr14-45154730-A-G. GRCh37 (hg19) VCF-style: chr14-45623933-A-G.
Other names: c.1139A>G, p.Asn380Ser (NM_001308133.2); c.1217A>G, p.Asn406Ser (NM_001308134.2); short protein forms N380S, N406S.
Identifiers: ClinVar variation 5021499 (VCV005021499.1).